The following is an entry in ClinVar:

NM_006389.5(HYOU1):c.1017C>G (p.Phe339Leu)

Gene: HYOU1 (hypoxia up-regulated 1; minus strand). Cytogenetic location: 11q23.3.
Variant type: single nucleotide variant.
Coding change: c.1017C>G on transcript NM_006389.5 (MANE Select); coding-DNA position 1017, C replaced by G.
Protein change: p.Phe339Leu; replaces phenylalanine 339 with leucine.
Molecular consequence: missense variant.
Genome position (GRCh38, 1-based): chr11:119,052,400, G>C on the plus strand (C>G on the coding strand, the complement: HYOU1 is on the minus strand). VCF-style: chr11-119052400-G-C. GRCh37 (hg19) VCF-style: chr11-118923112-G-C.
Other names: c.1017C>G, p.Phe339Leu (NM_001130991.3, NM_001411041.1); c.1017C>G (NM_006389.3); short protein forms F339L.
Identifiers: ClinVar variation 1912343 (VCV001912343.6), dbSNP rs782670269, ClinGen allele CA229623163.
Genomic context (GRCh38, chr11:119,052,400, plus strand): 5'-CACCCGCTCAAACAAGTCTGCACACAACTCCTCAAATTCCACACGAGTCACTTTTGCCTT[G>C]AAGTCCACATCATCCATCAGGCCTTCAATCTGGGAGAGGATGGGGACTGTCAGGGGGTTC-3'
Protein context (NP_006380.1, residues 329-349): QIEGLMDDVD[Phe339Leu]KAKVTRVEFE

ClinVar aggregate classification (germline): Uncertain significance. Review status: criteria provided, multiple submitters, no conflicts (2 of 4 stars). 2 submissions from 2 submitters: Uncertain significance (2). Last evaluated 2024-04-08.

Allele frequency attached by ClinVar (database versions not stated): TOPMed below 0.00001; gnomAD 0.00001; gnomAD exomes 0.00002.
gnomAD v4.1: 34 of 1,614,100 alleles (0.0021%); highest among the groups gnomAD compares: Non-Finnish European, 0.0024%; no homozygotes.

Submissions (2):

Labcorp Genetics (formerly Invitae), Labcorp
Classification: Uncertain significance. Last evaluated: 2024-04-08. Review status: criteria provided, single submitter. Criteria: Invitae Variant Classification Sherloc (09022015). Collection method: clinical testing. Allele origin: germline.
Comment: This sequence change replaces phenylalanine, which is neutral and non-polar, with leucine, which is neutral and non-polar, at codon 339 of the HYOU1 protein (p.Phe339Leu). This variant is present in population databases (rs782670269, gnomAD 0.004%). This variant has not been reported in the literature in individuals affected with HYOU1-related conditions. ClinVar contains an entry for this variant (Variation ID: 1912343). An algorithm developed to predict the effect of missense changes on protein structure and function (PolyPhen-2) suggests that this variant is likely to be disruptive. In summary, the available evidence is currently insufficient to determine the role of this variant in disease. Therefore, it has been classified as a Variant of Uncertain Significance.

Ambry Genetics
Classification: Uncertain significance. Last evaluated: 2023-12-13. Review status: criteria provided, single submitter. Criteria: Ambry Variant Classification Scheme 2023. Collection method: clinical testing. Allele origin: germline.